The following is an entry in ClinVar:

NM_015374.3(SUN2):c.431C>T (p.Ser144Leu)

Gene: SUN2 (Sad1 and UNC84 domain containing 2; minus strand). Cytogenetic location: 22q13.1.
Variant type: single nucleotide variant.
Coding change: c.431C>T on transcript NM_015374.3 (MANE Select); coding-DNA position 431, C replaced by T.
Protein change: p.Ser144Leu; replaces serine 144 with leucine.
Molecular consequence: missense variant.
Genome position (GRCh38, 1-based): chr22:38,750,314, G>A on the plus strand (C>T on the coding strand, the complement: SUN2 is on the minus strand). VCF-style: chr22-38750314-G-A. GRCh37 (hg19) VCF-style: chr22-39146319-G-A.
Other names: c.494C>T, p.Ser165Leu (NM_001199579.2); c.431C>T, p.Ser144Leu (NM_001199580.2); short protein forms S144L, S165L.
Identifiers: ClinVar variation 647243 (VCV000647243.17), dbSNP rs143710758, ClinGen allele CA10235936.

ClinVar aggregate classification (germline): Uncertain significance. Review status: criteria provided, multiple submitters, no conflicts (2 of 4 stars). 3 submissions from 3 submitters: Uncertain significance (3). Last evaluated 2025-11-24.

Conditions:
Emery-Dreifuss muscular dystrophy (EDMD). Also called: Scapuloperoneal syndrome, X-linked (formerly); Humeroperoneal neuromuscular disease, (formerly). Identifiers: Orphanet 261, MedGen C0410189, MONDO:0016830.

Allele frequency attached by ClinVar (database versions not stated): ExAC 0.00010; gnomAD exomes 0.00016 and 0.00040; gnomAD 0.00019 and 0.00021; TOPMed 0.00021; ESP Exome Variant Server 0.00023.
gnomAD v4.1: 611 of 1,613,818 alleles (0.038%); highest among the groups gnomAD compares: Non-Finnish European, 0.049%; no homozygotes.

Submissions (3):

Labcorp Genetics (formerly Invitae), Labcorp
Classification: Uncertain significance for Emery-Dreifuss muscular dystrophy. Last evaluated: 2025-11-24. Review status: criteria provided, single submitter. Criteria: Invitae Variant Classification Sherloc (09022015). Collection method: clinical testing. Allele origin: germline.
Comment: This sequence change replaces serine, which is neutral and polar, with leucine, which is neutral and non-polar, at codon 144 of the SUN2 protein (p.Ser144Leu). This variant is present in population databases (rs143710758, gnomAD 0.03%). This variant has not been reported in the literature in individuals affected with SUN2-related conditions. ClinVar contains an entry for this variant (Variation ID: 647243). An algorithm developed to predict the effect of missense changes on protein structure and function outputs the following: PolyPhen-2: "Benign". The leucine amino acid residue is found in multiple mammalian species, which suggests that this missense change does not adversely affect protein function. In summary, the available evidence is currently insufficient to determine the role of this variant in disease. Therefore, it has been classified as a Variant of Uncertain Significance.

Ambry Genetics
Classification: Uncertain significance. Last evaluated: 2024-08-12. Review status: criteria provided, single submitter. Criteria: Ambry Variant Classification Scheme 2023. Collection method: clinical testing. Allele origin: germline.

Revvity Omics, Revvity
Classification: Uncertain significance. Last evaluated: 2020-11-18. Review status: criteria provided, single submitter. Criteria: ACMG Guidelines, 2015. Collection method: clinical testing. Allele origin: germline.